The following is an entry in ClinVar:

ClinVar aggregate classification (germline): Uncertain significance. Review status: criteria provided, multiple submitters, no conflicts (2 of 4 stars). 5 submissions from 5 submitters: Uncertain significance (4). 1 of the submissions does not count toward it. Last evaluated 2025-01-06.

Conditions:
Trichothiodystrophy 1, photosensitive (TTD1). Also called: TAY SYNDROME; TRICHOTHIODYSTROPHY WITH CONGENITAL ICHTHYOSIS; PIBIDS SYNDROME. Identifiers: Orphanet 33364, MedGen C1866504, MONDO:0011125, OMIM 601675.
Cerebrooculofacioskeletal syndrome 2 (COFS2). Identifiers: MedGen C1853102, MONDO:0012553, OMIM 610756.

Allele frequency attached by ClinVar (database versions not stated): TOPMed 0.00032; gnomAD 0.00035 and 0.00036; ESP Exome Variant Server 0.00038.

Submissions (5):

Labcorp Genetics (formerly Invitae), Labcorp
Classification: Uncertain significance. Last evaluated: 2025-01-06. Review status: criteria provided, single submitter. Criteria: Invitae Variant Classification Sherloc (09022015). Collection method: clinical testing. Allele origin: germline.
Comment: This sequence change replaces arginine, which is basic and polar, with cysteine, which is neutral and slightly polar, at codon 227 of the ERCC2 protein (p.Arg227Cys). This variant is present in population databases (rs137910235, gnomAD 0.09%). This missense change has been observed in individual(s) with ERCC2-related conditions (PMID: 34930662). ClinVar contains an entry for this variant (Variation ID: 134116). Invitae Evidence Modeling of protein sequence and biophysical properties (such as structural, functional, and spatial information, amino acid conservation, physicochemical variation, residue mobility, and thermodynamic stability) indicates that this missense variant is not expected to disrupt ERCC2 protein function with a negative predictive value of 80%. In summary, the available evidence is currently insufficient to determine the role of this variant in disease. Therefore, it has been classified as a Variant of Uncertain Significance.

HudsonAlpha Institute for Biotechnology
Classification: Uncertain significance for Cerebrooculofacioskeletal syndrome 2. Last evaluated: 2020-08-26. Review status: criteria provided, single submitter. Criteria: ACMG Guidelines, 2015. Collection method: research. Allele origin: paternal. Observed: 1 compound heterozygote. Study: CSER-SouthSeq.
Comment: ACMG codes:PM2, PP3

Baylor Genetics
Classification: Uncertain significance for Trichothiodystrophy 1, photosensitive. Last evaluated: 2018-12-21. Review status: criteria provided, single submitter. Criteria: ACMG Guidelines, 2015. Collection method: clinical testing. Allele origin: unknown. Affected: yes. Study: CSER-TexasKidsCanSeq.
Comment: This variant was determined to be of uncertain significance according to ACMG Guidelines, 2015 [PMID:25741868].

Center for Pediatric Genomic Medicine, Children's Mercy Hospital and Clinics
Classification: Uncertain significance. Last evaluated: 2015-11-23. Review status: criteria provided, single submitter. Criteria: ACMG Guidelines, 2015. Collection method: clinical testing. Allele origin: germline.
ClinVar note: Converted during submission from Uncertain Significance to Uncertain significance.

ITMI
No classification provided. Condition: AllHighlyPenetrant. Last evaluated: 2013-09-19. Review status: no classification provided. Collection method: reference population. Allele origin: germline. Not counted in ClinVar's aggregate classification.
Comment: Please see associated publication for description of ethnicities

Literature cited by the submitters: PubMed 34930662 (cited by Labcorp Genetics (formerly Invitae), Labcorp); PubMed 24728327 (cited by ITMI).

NM_000400.4(ERCC2):c.679C>T (p.Arg227Cys)

Gene: ERCC2 (ERCC excision repair 2, TFIIH core complex helicase subunit; minus strand). Cytogenetic location: 19q13.32.
Variant type: single nucleotide variant.
Coding change: c.679C>T on transcript NM_000400.4 (MANE Select); coding-DNA position 679, C replaced by T.
Protein change: p.Arg227Cys; replaces arginine 227 with cysteine.
Molecular consequence: missense variant.
Genome position (GRCh38, 1-based): chr19:45,364,463, G>A on the plus strand (C>T on the coding strand, the complement: ERCC2 is on the minus strand). VCF-style: chr19-45364463-G-A. GRCh37 (hg19) VCF-style: chr19-45867721-G-A.
Other names: c.607C>T, p.Arg203Cys (NM_001130867.2); short protein forms R227C, R203C.
Identifiers: ClinVar variation 134116 (VCV000134116.9), dbSNP rs137910235, ClinGen allele CA158815.